The following is an entry in ClinVar:

ClinVar aggregate classification (germline): Pathogenic/Likely pathogenic. Review status: criteria provided, multiple submitters, no conflicts (2 of 4 stars). 2 submissions from 2 submitters: Pathogenic (1); Likely pathogenic (1). Last evaluated 2025-04-16.

Conditions:
EYS-related disorder. Also called: EYS-related condition.

Allele frequency attached by ClinVar (database versions not stated): gnomAD exomes below 0.00001.

Submissions (2):

Labcorp Genetics (formerly Invitae), Labcorp
Classification: Pathogenic. Last evaluated: 2025-04-16. Review status: criteria provided, single submitter. Criteria: Invitae Variant Classification Sherloc (09022015). Collection method: clinical testing. Allele origin: germline.
Comment: This sequence change creates a premature translational stop signal (p.Glu529*) in the EYS gene. It is expected to result in an absent or disrupted protein product. Loss-of-function variants in EYS are known to be pathogenic (PMID: 18836446, 20333770). This variant is not present in population databases (gnomAD no frequency). This variant has not been reported in the literature in individuals affected with EYS-related conditions. ClinVar contains an entry for this variant (Variation ID: 937003). For these reasons, this variant has been classified as Pathogenic.

Blueprint Genetics
Classification: Likely pathogenic for EYS-related disorders. Last evaluated: 2021-05-12. Review status: criteria provided, single submitter. Criteria: ACMG Guidelines, 2015. Collection method: clinical testing. Allele origin: germline. Affected: yes. Observed: 1 variant allele.

Literature cited by the submitters: PubMed 18836446 (cited by Labcorp Genetics (formerly Invitae), Labcorp); PubMed 20333770 (cited by Labcorp Genetics (formerly Invitae), Labcorp).

NM_001142800.2(EYS):c.1584dup (p.Glu529Ter)

Gene: EYS (EGF-like photoreceptor maintenance factor; minus strand). Cytogenetic location: 6q12.
Variant type: Duplication.
Coding change: c.1584dup on transcript NM_001142800.2 (MANE Select); coding-DNA position 1584, one base duplicated (T; older notation c.1584dupT).
Protein change: p.Glu529Ter; replaces glutamic acid 529 with a stop codon.
Molecular consequence: nonsense.
Genome position (GRCh38, 1-based): chr6:65,344,053, A duplicated on the plus strand (T on the coding strand, the reverse complement: EYS is on the minus strand). VCF-style (leftmost placement, unchanged base first): chr6-65344052-C-CA. GRCh37 (hg19) VCF-style: chr6-66053945-C-CA.
Other names: c.1584dup, p.Glu529Ter (NM_001142801.2, NM_001292009.2, NM_198283.2); short protein forms E529*.
Identifiers: ClinVar variation 937003 (VCV000937003.8), dbSNP rs1770299906, ClinGen allele CA1139659660.